The following is an entry in ClinVar:

ClinVar aggregate classification (germline): Uncertain significance (1 of 4 stars; one submission).

Conditions:
Hereditary cancer-predisposing syndrome. Also called: Tumor predisposition; Neoplastic Syndromes, Hereditary; Hereditary Cancer Syndrome; Hereditary neoplastic syndrome. Identifiers: Orphanet 140162, MedGen C0027672, MeSH D009386, MONDO:0015356.

Submission:

Ambry Genetics
Classification: Uncertain significance for Hereditary cancer-predisposing syndrome. Last evaluated: 2024-11-05. Review status: criteria provided, single submitter. Criteria: Ambry Variant Classification Scheme 2023. Collection method: clinical testing. Allele origin: germline.
Comment: The p.H506R variant (also known as c.1517A>G), located in coding exon 11 of the BMPR1A gene, results from an A to G substitution at nucleotide position 1517. The histidine at codon 506 is replaced by arginine, an amino acid with highly similar properties. This amino acid position is well conserved in available vertebrate species. In addition, the in silico prediction for this alteration is inconclusive. Based on the available evidence, the clinical significance of this variant remains unclear.

NM_004329.3(BMPR1A):c.1517A>G (p.His506Arg)

Gene: BMPR1A (bone morphogenetic protein receptor type 1A; plus strand). Cytogenetic location: 10q23.2.
Variant type: single nucleotide variant.
Coding change: c.1517A>G on transcript NM_004329.3 (MANE Select); coding-DNA position 1517, A replaced by G.
Protein change: p.His506Arg; replaces histidine 506 with arginine.
Molecular consequence: missense variant. On other transcripts: non-coding transcript variant (3).
Genome position (GRCh38, 1-based): chr10:86,923,637, A>G. VCF-style: chr10-86923637-A-G. GRCh37 (hg19) VCF-style: chr10-88683394-A-G.
Other names: c.1592A>G, p.His531Arg (NM_001406559.1); c.1565A>G, p.His522Arg (NM_001406560.1); c.1517A>G, p.His506Arg (NM_001406561.1, NM_001406562.1, NM_001406563.1 and 19 more transcripts); c.1511A>G, p.His504Arg (NM_001406583.1); c.1433A>G, p.His478Arg (NM_001406584.1, NM_001406585.1, NM_001406586.1 and 2 more transcripts); c.1175A>G, p.His392Arg (NM_001406589.1); short protein forms H504R, H392R, H531R, H522R, H478R, H506R.
Identifiers: ClinVar variation 3481238 (VCV003481238.1).